The following is an entry in ClinVar:

ClinVar aggregate classification (germline): Uncertain significance (1 of 4 stars; one submission).

Conditions:
Inborn genetic diseases. Identifiers: MedGen C0950123, MeSH D030342.

gnomAD v4.1: 1 of 1,613,906 alleles (0.000062%); highest among the groups gnomAD compares: Non-Finnish European, 0.000085%; no homozygotes.

Submission:

Ambry Genetics
Classification: Uncertain significance for Inborn genetic diseases. Last evaluated: 2025-05-02. Review status: criteria provided, single submitter. Criteria: Ambry Variant Classification Scheme 2023. Collection method: clinical testing. Allele origin: germline.
Comment: The p.S1137C variant (also known as c.3410C>G), located in coding exon 24 of the ANKRD26 gene, results from a C to G substitution at nucleotide position 3410. The serine at codon 1137 is replaced by cysteine, an amino acid with dissimilar properties. This amino acid position is conserved. In addition, this alteration is predicted to be tolerated by in silico analysis. Based on the available evidence, the clinical significance of this variant remains unclear.

NM_014915.3(ANKRD26):c.3410C>G (p.Ser1137Cys)

Gene: ANKRD26 (ankyrin repeat domain containing 26; minus strand). Cytogenetic location: 10p12.1.
Variant type: single nucleotide variant.
Coding change: c.3410C>G on transcript NM_014915.3 (MANE Select); coding-DNA position 3410, C replaced by G.
Protein change: p.Ser1137Cys; replaces serine 1137 with cysteine.
Molecular consequence: missense variant.
Genome position (GRCh38, 1-based): chr10:27,035,040, G>C on the plus strand (C>G on the coding strand, the complement: ANKRD26 is on the minus strand). VCF-style: chr10-27035040-G-C. GRCh37 (hg19) VCF-style: chr10-27323969-G-C.
Other names: c.3407C>G, p.Ser1136Cys (NM_001256053.2); short protein forms S1136C, S1137C.
Identifiers: ClinVar variation 3914001 (VCV003914001.1).